The following is an entry in ClinVar:

NM_006767.4(LZTR1):c.2152C>T (p.Gln718Ter)

Gene: LZTR1 (leucine zipper like post translational regulator 1; plus strand). Cytogenetic location: 22q11.21.
Variant type: single nucleotide variant.
Coding change: c.2152C>T on transcript NM_006767.4 (MANE Select); coding-DNA position 2152, C replaced by T.
Protein change: p.Gln718Ter; replaces glutamine 718 with a stop codon.
Molecular consequence: nonsense.
Genome position (GRCh38, 1-based): chr22:20,996,045, C>T. VCF-style: chr22-20996045-C-T. GRCh37 (hg19) VCF-style: chr22-21350334-C-T.
Other names: short protein forms Q718*.
Identifiers: ClinVar variation 1451769 (VCV001451769.13), dbSNP rs767482247, ClinGen allele CA410779633.
Genomic context (GRCh38, chr22:20,996,045, plus strand): 5'-TCCTTCATGCCCGAAGATGGGCAGGTGAACATCTCCATCGGGGAGATGGTGCCCAGCAGG[C>T]AGGCCTTCGAGTCCATGCTGCGCTACATCTACTACGGCGAGGTCAACATGCCGCCCGAGG-3'

ClinVar aggregate classification (germline): Conflicting classifications of pathogenicity. Review status: criteria provided, conflicting classifications (1 of 4 stars). 5 submissions from 5 submitters: Pathogenic (2); Likely pathogenic (2); Uncertain significance (1). Last evaluated 2026-02-03.

Conditions:
LZTR1-related schwannomatosis. Also called: Schwannomatosis-2, susceptibility to; Schwannomatosis 2. Identifiers: Orphanet 93921, MedGen C3810283, MONDO:0014299, OMIM 615670.
Noonan syndrome (NS). Also called: Noonan's syndrome. Identifiers: Orphanet 648, MedGen C0028326, MeSH D009634, MONDO:0018997. Disease mechanism: gain of function.
Noonan syndrome 2 (NS2). Identifiers: Orphanet 648, MedGen C1854469, MONDO:0011531, OMIM 605275.
Hereditary cancer-predisposing syndrome. Also called: Tumor predisposition; Hereditary neoplastic syndrome; Neoplastic Syndromes, Hereditary; Hereditary Cancer Syndrome. Identifiers: Orphanet 140162, MedGen C0027672, MeSH D009386, MONDO:0015356.
Cardiovascular phenotype. Identifiers: MedGen CN230736.

gnomAD v4.1: 3 of 1,613,572 alleles (0.00019%); highest among the groups gnomAD compares: Admixed American, 0.0017%; no homozygotes.

Submissions (5):

Labcorp Genetics (formerly Invitae), Labcorp
Classification: Pathogenic. Last evaluated: 2026-02-03. Review status: criteria provided, single submitter. Criteria: Invitae Variant Classification Sherloc (09022015). Collection method: clinical testing. Allele origin: germline.
Comment: This sequence change creates a premature translational stop signal (p.Gln718*) in the LZTR1 gene. It is expected to result in an absent or disrupted protein product. Loss-of-function variants in LZTR1 are known to be pathogenic (PMID: 24362817, 25335493, 25480913, 25795793, 29469822, 30368668, 30442762, 30442766, 30481304, 30859559). This variant is not present in population databases (gnomAD no frequency). This variant has not been reported in the literature in individuals affected with LZTR1-related conditions. ClinVar contains an entry for this variant (Variation ID: 1451769). Algorithms developed to predict the effect of sequence changes on RNA splicing suggest that this variant may create or strengthen a splice site. For these reasons, this variant has been classified as Pathogenic.

Ambry Genetics
Classification: Pathogenic for Cardiovascular phenotype; Hereditary cancer-predisposing syndrome. Last evaluated: 2025-10-28. Review status: criteria provided, single submitter. Criteria: Ambry Variant Classification Scheme 2023. Collection method: clinical testing. Allele origin: germline.
Comment: The p.Q718* pathogenic mutation (also known as c.2152C>T), located in coding exon 18 of the LZTR1 gene, results from a C to T substitution at nucleotide position 2152. This changes the amino acid from a glutamine to a stop codon within coding exon 18. This variant is considered to be rare based on population cohorts in the Genome Aggregation Database (gnomAD). This alteration is expected to result in loss of function by premature protein truncation or nonsense-mediated mRNA decay. Loss-of-function variants in LZTR1 are related to an increased risk for schwannomas and autosomal recessive Noonan syndrome; however, such associations with autosomal dominant Noonan syndrome have not been observed (Piotrowski A et al. Nat Genet. 2014 Feb;46:182-7; Yamamoto GL et al. J Med Genet. 2015 Jun;52:413-21; Johnston JJ et al. Genet Med. 2018 10;20:1175-1185). Based on the supporting evidence, this variant is pathogenic for an increased risk of LZTR1-related schwannomatosis (SWN) and would be expected to cause autosomal recessive Noonan syndrome when present along with a second pathogenic or likely pathogenic variant on the other allele; however, the association of this alteration with autosomal dominant Noonan syndrome is unlikely.

Dasa
Classification: Likely pathogenic for Noonan syndrome 2. Last evaluated: 2025-10-03. Review status: criteria provided, single submitter. Criteria: DASA Assertion Criteria. Collection method: clinical testing. Allele origin: germline.
Comment: NM_006767.4(LZTR1):c.2152C>T (p.Gln718*) is a nonsense variant in LZTR1 predicted to introduce a premature termination codon and is predicted to result in an absent or altered protein product. Loss of function is an established disease mechanism for LZTR1-associated disorders. Also, this variant is rare in population databases. Based on the currently available evidence, this variant is classified as likely pathogenic.

Baylor Genetics
Classification: Likely pathogenic for LZTR1-related schwannomatosis. Last evaluated: 2023-09-15. Review status: criteria provided, single submitter. Criteria: ACMG Guidelines, 2015. Collection method: clinical testing. Allele origin: unknown.

Cambridge Genomics Laboratory, East Genomic Laboratory Hub, NHS Genomic Medicine Service
Classification: Uncertain significance for Noonan syndrome. Last evaluated: 2020-03-28. Review status: criteria provided, single submitter. Criteria: ACGS Best Practice Guidelines for Variant Classification in Rare Disease 2020. Collection method: clinical testing. Allele origin: germline. Affected: yes. Observed: 1 variant allele.

Literature cited by the submitters: PubMed 24362817 (cited by Labcorp Genetics (formerly Invitae), Labcorp); PubMed 25335493 (cited by Labcorp Genetics (formerly Invitae), Labcorp); PubMed 25480913 (cited by Labcorp Genetics (formerly Invitae), Labcorp); PubMed 25795793 (cited by Labcorp Genetics (formerly Invitae), Labcorp); PubMed 29469822 (cited by Labcorp Genetics (formerly Invitae), Labcorp); PubMed 30368668 (cited by Labcorp Genetics (formerly Invitae), Labcorp); PubMed 30442762 (cited by Labcorp Genetics (formerly Invitae), Labcorp); PubMed 30442766 (cited by Labcorp Genetics (formerly Invitae), Labcorp); PubMed 30481304 (cited by Labcorp Genetics (formerly Invitae), Labcorp); PubMed 30859559 (cited by Labcorp Genetics (formerly Invitae), Labcorp).